The following is an entry in ClinVar:

NM_001184880.2(PCDH19):c.1031C>T (p.Pro344Leu)

Gene: PCDH19 (protocadherin 19; minus strand). Cytogenetic location: Xq22.1.
Variant type: single nucleotide variant.
Coding change: c.1031C>T on transcript NM_001184880.2 (MANE Select); coding-DNA position 1031, C replaced by T.
Protein change: p.Pro344Leu; replaces proline 344 with leucine.
Molecular consequence: missense variant.
Genome position (GRCh38, 1-based): chrX:100,407,567, G>A on the plus strand (C>T on the coding strand, the complement: PCDH19 is on the minus strand). VCF-style: chrX-100407567-G-A. GRCh37 (hg19) VCF-style: chrX-99662565-G-A.
Other names: p.P344L:CCG>CTG; c.1031C>T, p.Pro344Leu (NM_001105243.2, NM_020766.3); short protein forms P344L.
Identifiers: ClinVar variation 206326 (VCV000206326.49), dbSNP rs796052811, ClinGen allele CA316333.

ClinVar aggregate classification (germline): Pathogenic/Likely pathogenic. Review status: criteria provided, multiple submitters, no conflicts (2 of 4 stars). 5 submissions from 5 submitters: Pathogenic (4); Likely pathogenic (1). Last evaluated 2025-02-23.

Conditions:
PCDH19-related disorder. Also called: PCDH19-related condition.
Developmental and epileptic encephalopathy, 9 (DEE9). Also called: EPILEPSY, FEMALE-RESTRICTED, WITH MENTAL RETARDATION; PCDH19-Related X-Linked Female-Limited Epilepsy with Mental Retardation; Early infantile epileptic encephalopathy 9; JUBERG-HELLMAN SYNDROME. Identifiers: Orphanet 101039, Orphanet 2076, MedGen C1848137, MONDO:0010246, OMIM 300088. Disease mechanism: loss of function.

Submissions (5):

Labcorp Genetics (formerly Invitae), Labcorp
Classification: Pathogenic for Developmental and epileptic encephalopathy, 9. Last evaluated: 2025-02-23. Review status: criteria provided, single submitter. Criteria: Invitae Variant Classification Sherloc (09022015). Collection method: clinical testing. Allele origin: germline.
Comment: This sequence change replaces proline, which is neutral and non-polar, with leucine, which is neutral and non-polar, at codon 344 of the PCDH19 protein (p.Pro344Leu). This variant is not present in population databases (gnomAD no frequency). This missense change has been observed in individual(s) with clinical features of PCDH19-related conditions (PMID: 23334464). In at least one individual the variant was observed to be de novo. ClinVar contains an entry for this variant (Variation ID: 206326). Invitae Evidence Modeling of protein sequence and biophysical properties (such as structural, functional, and spatial information, amino acid conservation, physicochemical variation, residue mobility, and thermodynamic stability) indicates that this missense variant is expected to disrupt PCDH19 protein function with a positive predictive value of 95%. For these reasons, this variant has been classified as Pathogenic.

3billion
Classification: Pathogenic for Developmental and epileptic encephalopathy, 9. Last evaluated: 2023-10-24. Review status: criteria provided, single submitter. Criteria: ACMG Guidelines, 2015. Collection method: clinical testing. Allele origin: germline. Affected: yes.
Comment: The variant is not observed in the gnomAD v2.1.1 dataset. Predicted Consequence/Location: Missense variant In silico tool predictions suggest damaging effect of the variant on gene or gene product [REVEL: 0.91 (>=0.6, sensitivity 0.68 and specificity 0.92); 3Cnet: 0.96 (>=0.6, sensitivity 0.72 and precision 0.9)]. Same nucleotide change resulting in same amino acid change has been previously reported as pathogenic/likely pathogenic with strong evidence (ClinVar ID: VCV000206326 /PMID: 23334464). The variant has been previously reported as de novo in a similarly affected individual (PMID: 23334464). Different missense changes at the same codon (p.Pro344Ala, p.Pro344Arg, p.Pro344Gln) have been reported as pathogenic/likely pathogenic with strong evidence (ClinVar ID: VCV000647613, VCV001507139, VCV001948906 /PMID: 22267240 /3billion dataset). Therefore, this variant is classified as Pathogenic according to the recommendation of ACMG/AMP guideline.

Blueprint Genetics
Classification: Likely pathogenic for PCDH19-related disorders. Last evaluated: 2020-10-23. Review status: criteria provided, single submitter. Criteria: ACMG Guidelines, 2015. Collection method: clinical testing. Allele origin: germline. Affected: yes. Observed: 1 variant allele.

CeGaT Center for Human Genetics Tuebingen
Classification: Pathogenic. Last evaluated: 2019-01-01. Review status: criteria provided, single submitter. Criteria: CeGaT Center For Human Genetics Tuebingen Variant Classification Criteria Version 2. Collection method: clinical testing. Allele origin: germline. Affected: yes. Observed: 1 variant allele.

GeneDx
Classification: Pathogenic. Last evaluated: 2014-07-31. Review status: criteria provided, single submitter. Criteria: GeneDx Variant Classification (06012015). Collection method: clinical testing. Allele origin: germline. Affected: yes.
Comment: This variant is denoted p.Pro344Leu (CCG>CTG): c.1031 C>T in exon 1 of the PCDH19 gene (NM_001105243.1). It was not observed in approximately 6,500 individuals of European and African American ancestry in the NHLBI Exome Sequencing Project, indicating it is not a common benign variant in these populations. This substitution alters a highly conserved position in the predicted cadherin 3 domain of the PCDH19 protein where other missense mutations, including a different substitution at the same codon (P344R), have been reported in association with a PCDH19-related disorder. Therefore, P344L is considered a pathogenic mutation, and its presence is consistent with a diagnosis of a PCDH19-related disorder. The variant is found in EPILEPSY panel(s).

Literature cited by the submitters: PubMed 23334464 (cited by Labcorp Genetics (formerly Invitae), Labcorp and 3billion); PubMed 22267240 (cited by 3billion).